The following is an entry in ClinVar:

ClinVar aggregate classification (germline): Uncertain significance (1 of 4 stars; one submission).

Conditions:
Charcot-Marie-Tooth disease axonal type 2P. Also called: CHARCOT-MARIE-TOOTH NEUROPATHY, TYPE 2P; CHARCOT-MARIE-TOOTH DISEASE, AXONAL, TYPE 2G; CMT 2G; Charcot-Marie-Tooth Neuropathy Type 2G. Identifiers: Orphanet 300319, Orphanet 99941, MedGen C3280797, MONDO:0013753, OMIM 614436.

Submission:

Labcorp Genetics (formerly Invitae), Labcorp
Classification: Uncertain significance for Charcot-Marie-Tooth disease axonal type 2P. Last evaluated: 2024-10-02. Review status: criteria provided, single submitter. Criteria: Invitae Variant Classification Sherloc (09022015). Collection method: clinical testing. Allele origin: germline.
Comment: This variant, c.2161_2163del, results in the deletion of 1 amino acid(s) of the LRSAM1 protein (p.His721del), but otherwise preserves the integrity of the reading frame. This variant is present in population databases (no rsID available, gnomAD 0.003%). This variant has not been reported in the literature in individuals affected with LRSAM1-related conditions. ClinVar contains an entry for this variant (Variation ID: 940588). Experimental studies and prediction algorithms are not available or were not evaluated, and the functional significance of this variant is currently unknown. In summary, the available evidence is currently insufficient to determine the role of this variant in disease. Therefore, it has been classified as a Variant of Uncertain Significance.

NM_001005373.4(LRSAM1):c.2161_2163del (p.His721del)

Gene: LRSAM1 (leucine rich repeat and sterile alpha motif containing 1; plus strand). Cytogenetic location: 9q34.11.
Variant type: Deletion.
Coding change: c.2161_2163del on transcript NM_001005373.4 (MANE Select); coding-DNA positions 2161 to 2163, 3 bases deleted (CAC; older notation c.2161_2163delCAC).
Protein change: p.His721del; deletes histidine 721.
Molecular consequence: inframe deletion. On other transcripts: non-coding transcript variant (2).
Genome position (GRCh38, 1-based): chr9:127,502,888-127,502,890, CAC deleted; deleting any 3 consecutive bases within chr9:127,502,886-127,502,890 gives the same sequence; the c. name uses the placement nearest the transcript's 3' end. VCF-style (leftmost placement, unchanged base first): chr9-127502885-TACC-T. GRCh37 (hg19) VCF-style: chr9-130265164-TACC-T.
Other names: c.2161_2163del, p.His721del (NM_001005374.4, NM_001384142.1, NM_138361.5); c.2080_2082del, p.His694del (NM_001190723.3); c.2062_2064del, p.His688del (NM_001384143.1); c.1372_1374del, p.His458del (NM_001384144.1); short protein forms H694del, H721del, H458del, H688del.
Identifiers: ClinVar variation 940588 (VCV000940588.9), dbSNP rs1196955593, ClinGen allele CA590596295.